The following is an entry in ClinVar:

ClinVar aggregate classification (germline): Uncertain significance (1 of 4 stars; one submission).

Submission:

Labcorp Genetics (formerly Invitae), Labcorp
Classification: Uncertain significance. Last evaluated: 2019-11-22. Review status: criteria provided, single submitter. Criteria: Invitae Variant Classification Sherloc (09022015). Collection method: clinical testing. Allele origin: germline.
Comment: In summary, the available evidence is currently insufficient to determine the role of this variant in disease. Therefore, it has been classified as a Variant of Uncertain Significance. Algorithms developed to predict the effect of missense changes on protein structure and function (SIFT, PolyPhen-2, Align-GVGD) all suggest that this variant is likely to be disruptive, but these predictions have not been confirmed by published functional studies and their clinical significance is uncertain. This variant has not been reported in the literature in individuals with POLE-related conditions. ClinVar contains an entry for this variant (Variation ID: 643728). This variant is not present in population databases (ExAC no frequency). This sequence change replaces methionine with threonine at codon 667 of the POLE protein (p.Met667Thr). The methionine residue is highly conserved and there is a moderate physicochemical difference between methionine and threonine.

NM_006231.4(POLE):c.2000T>C (p.Met667Thr)

Gene: POLE (DNA polymerase epsilon, catalytic subunit; minus strand). Cytogenetic location: 12q24.33.
Variant type: single nucleotide variant.
Coding change: c.2000T>C on transcript NM_006231.4 (MANE Select); coding-DNA position 2000, T replaced by C.
Protein change: p.Met667Thr; replaces methionine 667 with threonine.
Molecular consequence: missense variant.
Genome position (GRCh38, 1-based): chr12:132,668,661, A>G on the plus strand (T>C on the coding strand, the complement: POLE is on the minus strand). VCF-style: chr12-132668661-A-G. GRCh37 (hg19) VCF-style: chr12-133245247-A-G.
Other names: short protein forms M667T.
Identifiers: ClinVar variation 643728 (VCV000643728.10), dbSNP rs1593792644, ClinGen allele CA387354791.